The following is an entry in ClinVar:

ClinVar aggregate classification (germline): Likely pathogenic (1 of 4 stars; one submission).

Conditions:
Renal carnitine transport defect (CDSP). Also called: CARNITINE DEFICIENCY, SYSTEMIC, DUE TO DEFECT IN RENAL REABSORPTION OF CARNITINE; CARNITINE TRANSPORTER, PLASMA-MEMBRANE, DEFICIENCY OF; CARNITINE UPTAKE DEFECT; Carnitine Deficiency, Systemic; Systemic primary carnitine deficiency disease; Primary carnitine deficiency. Identifiers: Orphanet 158, MedGen C0342788, MONDO:0008919, OMIM 212140.

Submission:

Labcorp Genetics (formerly Invitae), Labcorp
Classification: Likely pathogenic for Renal carnitine transport defect. Last evaluated: 2022-06-15. Review status: criteria provided, single submitter. Criteria: Invitae Variant Classification Sherloc (09022015). Collection method: clinical testing. Allele origin: germline.
Comment: Advanced modeling of protein sequence and biophysical properties (such as structural, functional, and spatial information, amino acid conservation, physicochemical variation, residue mobility, and thermodynamic stability) performed at Invitae indicates that this missense variant is expected to disrupt SLC22A5 protein function. This missense change has been observed in individual(s) with primary carnitine deficiency (PMID: 32371215). This variant is not present in population databases (gnomAD no frequency). This sequence change replaces valine, which is neutral and non-polar, with glycine, which is neutral and non-polar, at codon 103 of the SLC22A5 protein (p.Val103Gly). In summary, the currently available evidence indicates that the variant is pathogenic, but additional data are needed to prove that conclusively. Therefore, this variant has been classified as Likely Pathogenic.

Literature cited by the submitters: PubMed 32371215.

NM_003060.4(SLC22A5):c.308T>G (p.Val103Gly)

Gene: SLC22A5 (solute carrier family 22 member 5; plus strand). Cytogenetic location: 5q31.1.
Variant type: single nucleotide variant.
Coding change: c.308T>G on transcript NM_003060.4 (MANE Select); coding-DNA position 308, T replaced by G.
Protein change: p.Val103Gly; replaces valine 103 with glycine.
Molecular consequence: missense variant.
Genome position (GRCh38, 1-based): chr5:132,370,280, T>G. VCF-style: chr5-132370280-T-G. GRCh37 (hg19) VCF-style: chr5-131705972-T-G.
Other names: c.308T>G, p.Val103Gly (NM_001308122.2); short protein forms V103G.
Identifiers: ClinVar variation 1916268 (VCV001916268.5), dbSNP rs2532089693, ClinGen allele CA360802780.